The following is an entry in ClinVar:

NM_001282933.2(ZNF341):c.-7C>T

Genes: ZNF341 (zinc finger protein 341; plus strand), LOC130065694 (ATAC-STARR-seq lymphoblastoid silent region 12821; plus strand). Cytogenetic location: 20q11.22.
Variant type: single nucleotide variant.
Coding change: c.-7C>T on transcript NM_001282933.2 (MANE Select); 7 bases upstream of the start codon, C replaced by T.
Molecular consequence: 5 prime UTR variant. On other transcripts: non-coding transcript variant (1).
Genome position (GRCh38, 1-based): chr20:33,732,015, C>T. VCF-style: chr20-33732015-C-T. GRCh37 (hg19) VCF-style: chr20-32319821-C-T.
Other names: c.-80C>T (NM_001282935.2); c.-7C>T (NM_032819.5).
Identifiers: ClinVar variation 3042456 (VCV003042456.3), dbSNP rs536226894, ClinGen allele CA9819031.

ClinVar aggregate classification (germline): Likely benign. Review status: criteria provided, single submitter (1 of 4 stars). 2 submissions from 2 submitters: Likely benign (1). 1 of the submissions does not count toward it. Last evaluated 2024-10-22.

Conditions:
ZNF341-related disorder. Also called: ZNF341-related condition.

Allele frequency attached by ClinVar (database versions not stated): ExAC 0.00191; gnomAD 0.00264; 1000 Genomes Project 0.00280; 1000 Genomes Project 30x 0.00281; TOPMed 0.00287.
gnomAD v4.1: 694 of 1,425,798 alleles (0.049%); highest among the groups gnomAD compares: African/African-American, 0.94%; 7 homozygotes.

Submissions (2):

Blueprint Genetics
Classification: Likely benign. Last evaluated: 2024-10-22. Review status: criteria provided, single submitter. Criteria: ACMG Guidelines, 2015. Collection method: clinical testing. Allele origin: germline.

PreventionGenetics, part of Exact Sciences
Classification: Benign for ZNF341-related condition. Last evaluated: 2019-04-04. Review status: no assertion criteria provided. Collection method: clinical testing. Allele origin: germline. Not counted in ClinVar's aggregate classification.
Comment: This variant is classified as benign based on ACMG/AMP sequence variant interpretation guidelines (Richards et al. 2015 PMID: 25741868, with internal and published modifications).